The following is an entry in ClinVar:

NM_001458.5(FLNC):c.8121T>C (p.Ile2707=)

Genes: FLNC (filamin C; plus strand), FLNC-AS1 (FLNC antisense RNA 1; minus strand). Cytogenetic location: 7q32.1.
Variant type: single nucleotide variant.
Coding change: c.8121T>C on transcript NM_001458.5 (MANE Select); coding-DNA position 8121, T replaced by C.
Protein change: p.Ile2707=; no amino-acid change (isoleucine 2707 retained).
Molecular consequence: synonymous variant.
Genome position (GRCh38, 1-based): chr7:128,858,466, T>C. VCF-style: chr7-128858466-T-C. GRCh37 (hg19) VCF-style: chr7-128498520-T-C.
Other names: p.Ile2707=; c.8022T>C, p.Ile2674= (NM_001127487.2).
Identifiers: ClinVar variation 129101 (VCV000129101.29), dbSNP rs28437296, ClinGen allele CA152890.

ClinVar aggregate classification (germline): Benign/Likely benign. Review status: criteria provided, multiple submitters, no conflicts (2 of 4 stars). 13 submissions from 13 submitters: Benign (8); Likely benign (1). 4 of the submissions do not count toward it. Last evaluated 2026-02-03.

Conditions:
Cardiovascular phenotype. Identifiers: MedGen CN230736.
Myofibrillar myopathy 5. Also called: Filaminopathy (type); FILAMINOPATHY, AUTOSOMAL DOMINANT. Identifiers: Orphanet 171445, MedGen C1836050, MONDO:0012289, OMIM 609524.
Distal myopathy with posterior leg and anterior hand involvement. Also called: WILLIAMS DISTAL MYOPATHY. Identifiers: Orphanet 63273, MedGen C3279722, MONDO:0013550, OMIM 614065.
Hypertrophic cardiomyopathy 26. Also called: Cardiomyopathy, familial hypertrophic, 26. Identifiers: Orphanet 75249, MedGen C4310749, MONDO:0014883, OMIM 617047.

Allele frequency attached by ClinVar (database versions not stated): gnomAD exomes 0.00933; ExAC 0.01048; ESP Exome Variant Server 0.01398; gnomAD 0.01520 and 0.01593; TOPMed 0.01701; 1000 Genomes Project 30x 0.02233; 1000 Genomes Project 0.02396.

Submissions (13):

Labcorp Genetics (formerly Invitae), Labcorp
Classification: Benign for Distal myopathy with posterior leg and anterior hand involvement; Myofibrillar myopathy 5; Hypertrophic cardiomyopathy 26. Last evaluated: 2026-02-03. Review status: criteria provided, single submitter. Criteria: Invitae Variant Classification Sherloc (09022015). Collection method: clinical testing. Allele origin: germline.

Molecular Diagnostic Laboratory for Inherited Cardiovascular Disease, Montreal Heart Institute
Classification: Benign. Last evaluated: 2025-04-09. Review status: criteria provided, single submitter. Criteria: ACMG Guidelines, 2015. Collection method: clinical testing. Allele origin: germline. Affected: no.

Blueprint Genetics
Classification: Likely benign. Last evaluated: 2024-11-27. Review status: criteria provided, single submitter. Criteria: ACMG Guidelines, 2015. Collection method: clinical testing. Allele origin: germline.

Women's Health and Genetics/Laboratory Corporation of America, LabCorp
Classification: Benign. Last evaluated: 2023-08-19. Review status: criteria provided, single submitter. Criteria: LabCorp Variant Classification Summary - May 2015. Collection method: clinical testing. Allele origin: germline.

Mayo Clinic Laboratories, Mayo Clinic
Classification: Benign. Last evaluated: 2023-03-30. Review status: criteria provided, single submitter. Criteria: ACMG Guidelines, 2015. Collection method: clinical testing. Allele origin: germline. Observed: 31 variant alleles.
Comment: BS1, BS2, BP4, BP7

Athena Diagnostics
Classification: Benign. Last evaluated: 2020-02-14. Review status: criteria provided, single submitter. Criteria: Athena Diagnostics Criteria. Collection method: clinical testing. Allele origin: unknown.

Ambry Genetics
Classification: Benign for Cardiovascular phenotype. Last evaluated: 2018-12-26. Review status: criteria provided, single submitter. Criteria: Ambry Variant Classification Scheme 2023. Collection method: clinical testing. Allele origin: germline.

GeneDx
Classification: Benign. Last evaluated: 2016-08-26. Review status: criteria provided, single submitter. Criteria: GeneDx Variant Classification (06012015). Collection method: clinical testing. Allele origin: germline. Affected: yes.
Comment: This variant is considered likely benign or benign based on one or more of the following criteria: it is a conservative change, it occurs at a poorly conserved position in the protein, it is predicted to be benign by multiple in silico algorithms, and/or has population frequency not consistent with disease.

Breakthrough Genomics
Classification: Benign. Review status: criteria provided, single submitter. Criteria: ACMG Guidelines, 2015. Collection method: not provided. Allele origin: germline. Inheritance: Autosomal dominant inheritance. Affected: yes.

Clinical Genetics, Academic Medical Center
Classification: Benign. Review status: no assertion criteria provided. Collection method: clinical testing. Allele origin: germline. Affected: yes. Study: VKGL Data-share Consensus. Not counted in ClinVar's aggregate classification.

Genetic Services Laboratory, University of Chicago
Classification: Likely benign for AllHighlyPenetrant. Review status: no assertion criteria provided. Collection method: clinical testing. Allele origin: germline. Inheritance: Autosomal dominant inheritance. Not counted in ClinVar's aggregate classification.
Comment: Likely benign based on allele frequency in 1000 Genomes Project or ESP global frequency and its presence in a patient with a rare or unrelated disease phenotype. NOT Sanger confirmed.

Joint Genome Diagnostic Labs from Nijmegen and Maastricht, Radboudumc and MUMC+
Classification: Benign. Review status: no assertion criteria provided. Collection method: clinical testing. Allele origin: germline. Affected: yes. Study: VKGL Data-share Consensus. Not counted in ClinVar's aggregate classification.

Laboratory of Diagnostic Genome Analysis, Leiden University Medical Center (LUMC)
Classification: Likely benign. Review status: no assertion criteria provided. Collection method: clinical testing. Allele origin: germline. Affected: yes. Study: VKGL Data-share Consensus. Not counted in ClinVar's aggregate classification.

Literature cited by the submitters: PubMed 20578970 (cited by Mayo Clinic Laboratories, Mayo Clinic); PubMed 21135393 (cited by Athena Diagnostics).